The following is an entry in ClinVar:

NM_014845.6(FIG4):c.2376+5G>A

Gene: FIG4 (FIG4 phosphoinositide 5-phosphatase; plus strand). Cytogenetic location: 6q21.
Variant type: single nucleotide variant.
Coding change: c.2376+5G>A on transcript NM_014845.6 (MANE Select); 5 bases into the intron after coding-DNA position 2376, G replaced by A.
Molecular consequence: intron variant.
Genome position (GRCh38, 1-based): chr6:109,791,576, G>A. VCF-style: chr6-109791576-G-A. GRCh37 (hg19) VCF-style: chr6-110112779-G-A.
Identifiers: ClinVar variation 1491620 (VCV001491620.3), dbSNP rs528952794, ClinGen allele CA145139890.
Genomic context (GRCh38, chr6:109,791,576, plus strand): 5'-AGCGCTCCACTCCCGTGAAGATGACTGATGCAGGAGACAGTGCCAAAGTGACCGAGGTGC[G>A]GGGGAGGGAAGCCTGTGGCATCCAGCCTGAAGCCCTGGAAAATGATCTTTACAACTCCGC-3'

ClinVar aggregate classification (germline): Uncertain significance (1 of 4 stars; one submission).

Conditions:
Charcot-Marie-Tooth disease type 4. Also called: Charcot-Marie-Tooth disease, type IV; Charcot-Marie-Tooth, Type 4. Identifiers: Orphanet 64749, MedGen C4082197, MONDO:0018995.

Allele frequency attached by ClinVar (database versions not stated): gnomAD exomes 0.00003.
gnomAD v4.1: 21 of 1,613,212 alleles (0.0013%); highest among the groups gnomAD compares: Admixed American, 0.012%; no homozygotes.

Submission:

Labcorp Genetics (formerly Invitae), Labcorp
Classification: Uncertain significance for Charcot-Marie-Tooth disease type 4. Last evaluated: 2022-04-08. Review status: criteria provided, single submitter. Criteria: Invitae Variant Classification Sherloc (09022015). Collection method: clinical testing. Allele origin: germline.
Comment: This sequence change falls in intron 20 of the FIG4 gene. It does not directly change the encoded amino acid sequence of the FIG4 protein. It affects a nucleotide within the consensus splice site. This variant is present in population databases (rs528952794, gnomAD 0.02%). This variant has not been reported in the literature in individuals affected with FIG4-related conditions. Variants that disrupt the consensus splice site are a relatively common cause of aberrant splicing (PMID: 17576681, 9536098). Algorithms developed to predict the effect of sequence changes on RNA splicing suggest that this variant may disrupt the consensus splice site. In summary, the available evidence is currently insufficient to determine the role of this variant in disease. Therefore, it has been classified as a Variant of Uncertain Significance.

Literature cited by the submitters: PubMed 17576681; PubMed 9536098.